The following is an entry in ClinVar:

NM_002907.4(RECQL):c.185A>T (p.Asp62Val)

Gene: RECQL (RecQ like helicase; minus strand). Cytogenetic location: 12p12.1.
Variant type: single nucleotide variant.
Coding change: c.185A>T on transcript NM_002907.4 (MANE Select); coding-DNA position 185, A replaced by T.
Protein change: p.Asp62Val; replaces aspartic acid 62 with valine.
Molecular consequence: missense variant.
Genome position (GRCh38, 1-based): chr12:21,491,548, T>A on the plus strand (A>T on the coding strand, the complement: RECQL is on the minus strand). VCF-style: chr12-21491548-T-A. GRCh37 (hg19) VCF-style: chr12-21644482-T-A.
Other names: c.185A>T, p.Asp62Val (NM_032941.3); short protein forms D62V.
Identifiers: ClinVar variation 2782990 (VCV002782990.3), dbSNP rs2540404495, ClinGen allele CA384134161.

ClinVar aggregate classification (germline): Uncertain significance (1 of 4 stars; one submission).

Submission:

Labcorp Genetics (formerly Invitae), Labcorp
Classification: Uncertain significance. Last evaluated: 2025-07-31. Review status: criteria provided, single submitter. Criteria: Invitae Variant Classification Sherloc (09022015). Collection method: clinical testing. Allele origin: germline.
Comment: This sequence change replaces aspartic acid, which is acidic and polar, with valine, which is neutral and non-polar, at codon 62 of the RECQL protein (p.Asp62Val). This variant is not present in population databases (gnomAD no frequency). This variant has not been reported in the literature in individuals affected with RECQL-related conditions. ClinVar contains an entry for this variant (Variation ID: 2782990). An algorithm developed to predict the effect of missense changes on protein structure and function (PolyPhen-2) suggests that this variant is likely to be tolerated. In summary, the available evidence is currently insufficient to determine the role of this variant in disease. Therefore, it has been classified as a Variant of Uncertain Significance.